The following is an entry in ClinVar:

NM_015662.3(IFT172):c.328A>T (p.Ile110Phe)

Gene: IFT172 (intraflagellar transport 172; minus strand). Cytogenetic location: 2p23.3.
Variant type: single nucleotide variant.
Coding change: c.328A>T on transcript NM_015662.3 (MANE Select); coding-DNA position 328, A replaced by T.
Protein change: p.Ile110Phe; replaces isoleucine 110 with phenylalanine.
Molecular consequence: missense variant.
Genome position (GRCh38, 1-based): chr2:27,484,235, T>A on the plus strand (A>T on the coding strand, the complement: IFT172 is on the minus strand). VCF-style: chr2-27484235-T-A. GRCh37 (hg19) VCF-style: chr2-27707102-T-A.
Other names: short protein forms I110F.
Identifiers: ClinVar variation 935980 (VCV000935980.7), dbSNP rs747883999, ClinGen allele CA1581040.
Genomic context (GRCh38, chr2:27,484,235, plus strand): 5'-ACTGATATATGTTTGTTCATCCTAAGGTTCCAGGGACTGGTCTGAACTTTACCGTCTGGA[T>A]GAACTTGTTGCAGATGACTTTCTTGTCACCCCTGCCAAACAAAAGAAGGGGAAACATATT-3'
Protein context (NP_056477.1, residues 100-120): GDKKVICNKF[Ile110Phe]QTSAVTCLQW

ClinVar aggregate classification (germline): Uncertain significance (1 of 4 stars; one submission).

Conditions:
Short-rib thoracic dysplasia 10 with or without polydactyly (SRTD10). Identifiers: Orphanet 474, MedGen C3810175, MONDO:0014284, OMIM 615630.
Retinitis pigmentosa 71 (RP71). Identifiers: Orphanet 791, MedGen C4225342, MONDO:0014618, OMIM 616394.

Allele frequency attached by ClinVar (database versions not stated): gnomAD exomes below 0.00001; ExAC 0.00001; gnomAD 0.00002; TOPMed 0.00002.

Submission:

Labcorp Genetics (formerly Invitae), Labcorp
Classification: Uncertain significance for Retinitis pigmentosa 71; Short-rib thoracic dysplasia 10 with or without polydactyly. Last evaluated: 2022-03-03. Review status: criteria provided, single submitter. Criteria: Invitae Variant Classification Sherloc (09022015). Collection method: clinical testing. Allele origin: germline.
Comment: This sequence change replaces isoleucine, which is neutral and non-polar, with phenylalanine, which is neutral and non-polar, at codon 110 of the IFT172 protein (p.Ile110Phe). This variant is present in population databases (rs747883999, gnomAD 0.007%). This variant has not been reported in the literature in individuals affected with IFT172-related conditions. ClinVar contains an entry for this variant (Variation ID: 935980). Algorithms developed to predict the effect of missense changes on protein structure and function (SIFT, PolyPhen-2, Align-GVGD) all suggest that this variant is likely to be tolerated. In summary, the available evidence is currently insufficient to determine the role of this variant in disease. Therefore, it has been classified as a Variant of Uncertain Significance.